The following is an entry in ClinVar:

NM_015278.5(SASH1):c.927C>T (p.Gly309=)

Gene: SASH1 (SAM and SH3 domain containing 1; plus strand). Cytogenetic location: 6q25.1.
Variant type: single nucleotide variant.
Coding change: c.927C>T on transcript NM_015278.5 (MANE Select); coding-DNA position 927, C replaced by T.
Protein change: p.Gly309=; no amino-acid change (glycine 309 retained).
Molecular consequence: synonymous variant.
Genome position (GRCh38, 1-based): chr6:148,519,611, C>T. VCF-style: chr6-148519611-C-T. GRCh37 (hg19) VCF-style: chr6-148840747-C-T.
Other names: c.792C>T, p.Gly264= (NM_001346505.2); c.555C>T, p.Gly185= (NM_001346506.2); c.210C>T, p.Gly70= (NM_001346507.2, NM_001346508.2); c.87C>T, p.Gly29= (NM_001346509.2).
Identifiers: ClinVar variation 3057285 (VCV003057285.2), dbSNP rs768804300, ClinGen allele CA4040182.

ClinVar aggregate classification (germline): Likely benign (0 of 4 stars; one submission).

Conditions:
SASH1-related disorder. Also called: SASH1-related condition.

Allele frequency attached by ClinVar (database versions not stated): ExAC 0.00002; gnomAD 0.00002; TOPMed 0.00002.
gnomAD v4.1: 20 of 1,614,024 alleles (0.0012%); highest among the groups gnomAD compares: Middle Eastern, 0.066%; no homozygotes.

Submission:

PreventionGenetics, part of Exact Sciences
Classification: Likely benign for SASH1-related condition. Last evaluated: 2019-03-20. Review status: no assertion criteria provided. Collection method: clinical testing. Allele origin: germline.
Comment: This variant is classified as likely benign based on ACMG/AMP sequence variant interpretation guidelines (Richards et al. 2015 PMID: 25741868, with internal and published modifications).